The following is an entry in ClinVar:

NM_007294.4(BRCA1):c.5211A>G (p.Arg1737=)

Gene: BRCA1 (BRCA1 DNA repair associated; minus strand). Cytogenetic location: 17q21.31.
Variant type: single nucleotide variant.
Coding change: c.5211A>G on transcript NM_007294.4 (MANE Select); coding-DNA position 5211, A replaced by G.
Protein change: p.Arg1737=; no amino-acid change (arginine 1737 retained).
Molecular consequence: synonymous variant.
Genome position (GRCh38, 1-based): chr17:43,057,118, T>C on the plus strand (A>G on the coding strand, the complement: BRCA1 is on the minus strand). VCF-style: chr17-43057118-T-C. GRCh37 (hg19) VCF-style: chr17-41209135-T-C.
Other names: c.1758A>G, p.Arg586= (NM_001408462.1, NM_001408463.1, NM_001408464.1 and 7 more transcripts); c.1755A>G, p.Arg585= (NM_001408468.1, NM_001408469.1, NM_001408470.1); c.1899A>G, p.Arg633= (NM_001408472.1, NM_007298.4, NM_007299.4 and 13 more transcripts); c.1896A>G, p.Arg632= (NM_001408473.1, NM_001408392.1, NM_001408396.1 and 8 more transcripts); c.1701A>G, p.Arg567= (NM_001408474.1); c.1698A>G, p.Arg566= (NM_001408475.1, NM_001408476.1); c.1692A>G, p.Arg564= (NM_001408478.1, NM_001408479.1, NM_001408480.1); c.1689A>G, p.Arg563= (NM_001408481.1, NM_001408482.1, NM_001408483.1 and 5 more transcripts); and 72 more.
Identifiers: ClinVar variation 531477 (VCV000531477.22), dbSNP rs1555576963, ClinGen allele CA500144828.

ClinVar aggregate classification (germline): Likely benign. Review status: criteria provided, multiple submitters, no conflicts (2 of 4 stars). 5 submissions from 5 submitters: Likely benign (5). Last evaluated 2025-02-27.

Conditions:
Hereditary breast ovarian cancer syndrome. Also called: Breast and ovarian cancer; Hereditary breast and/or ovarian cancer syndrome; BRCA1- and BRCA2-Associated Hereditary Breast and Ovarian Cancer; Hereditary breast and ovarian cancer syndrome; Hereditary breast and ovarian cancer syndrome (HBOC); Hereditary breast and ovarian cancer. Identifiers: Orphanet 145, MedGen C0677776, MeSH D061325, MONDO:0003582. Disease mechanism: loss of function.
Breast-ovarian cancer, familial, susceptibility to, 1 (BROVCA1). Also called: BRCA1 Hereditary Breast and Ovarian Cancer; OVARIAN CANCER, SUSCEPTIBILITY TO. Identifiers: Orphanet 145, MedGen C2676676, MONDO:0011450, OMIM 604370. Disease mechanism: loss of function.
Hereditary cancer. Identifiers: MedGen C1333600.
Hereditary cancer-predisposing syndrome. Also called: Tumor predisposition; Hereditary Cancer Syndrome; Hereditary neoplastic syndrome; Neoplastic Syndromes, Hereditary. Identifiers: Orphanet 140162, MedGen C0027672, MeSH D009386, MONDO:0015356.

Allele frequency attached by ClinVar (database versions not stated): gnomAD exomes below 0.00001.
gnomAD v4.1: 2 of 1,613,992 alleles (0.00012%); highest among the groups gnomAD compares: Admixed American, 0.0033%; no homozygotes.

Submissions (6):

Mendelics
Classification: Likely benign for Hereditary cancer. Last evaluated: 2025-02-27. Review status: criteria provided, single submitter. Criteria: ACMG Guidelines, 2015. Collection method: clinical testing. Allele origin: unknown.
Comment: This variant is considered likely benign or benign based on one or more of the following: it is predicted to be benign by multiple in silico algorithms, and/or has population frequency not consistent with disease, and/or has normal protein function, and/or has lack of segregation with disease, and/or has been detected in co-occurrence with known pathogenic variant, and/or has lack of disease association in case-control studies, and/or is located in a region inconsistent with a known cause of pathogenicity.

Labcorp Genetics (formerly Invitae), Labcorp
Classification: Likely benign for Hereditary breast ovarian cancer syndrome. Last evaluated: 2023-12-03. Review status: criteria provided, single submitter. Criteria: Invitae Variant Classification Sherloc (09022015). Collection method: clinical testing. Allele origin: germline.

All of Us Research Program, National Institutes of Health
Classification: Likely benign for Breast-ovarian cancer, familial, susceptibility to, 1. Last evaluated: 2023-04-28. Review status: criteria provided, single submitter. Criteria: ACMG Guidelines, 2015. Collection method: clinical testing. Allele origin: germline. Inheritance: Autosomal dominant inheritance. Observed: 1 variant allele, 1 heterozygote.
Comment: This study involves interpretation of variants in research participants for the purpose of population health screening. Participant phenotype was not available at the time of variant classification. Additional details can be found in publication PMID: 35346344, PMCID: PMC8962531

Ambry Genetics
Classification: Likely benign for Hereditary cancer-predisposing syndrome. Last evaluated: 2022-01-24. Review status: criteria provided, single submitter. Criteria: Ambry Variant Classification Scheme 2023. Collection method: clinical testing. Allele origin: germline.

Color Diagnostics, LLC DBA Color Health
Classification: Likely benign for Hereditary cancer-predisposing syndrome. Last evaluated: 2019-06-19. Review status: criteria provided, single submitter. Criteria: ACMG Guidelines, 2015. Collection method: clinical testing. Allele origin: germline.

Brotman Baty Institute, University of Washington
No classification provided (evidence only). Condition: Breast-ovarian cancer, familial 1. Review status: no classification provided. Collection method: in vitro. Allele origin: not applicable. Functional consequence: functionally_normal. Not counted in ClinVar's aggregate classification.
ClinVar note: "not provided" was previously submitted as the classification for the variant. However, the classification appeared to be based only on an observation of functional data so it was converted to no classification on 2025-07-30.